The following is an entry in ClinVar:

NM_175914.5(HNF4A):c.662T>C (p.Leu221Pro)

Gene: HNF4A (hepatocyte nuclear factor 4 alpha; plus strand). Cytogenetic location: 20q13.12.
Variant type: single nucleotide variant.
Coding change: c.662T>C on transcript NM_175914.5 (MANE Select); coding-DNA position 662, T replaced by C.
Protein change: p.Leu221Pro; replaces leucine 221 with proline.
Molecular consequence: missense variant.
Genome position (GRCh38, 1-based): chr20:44,418,504, T>C. VCF-style: chr20-44418504-T-C. GRCh37 (hg19) VCF-style: chr20-43047144-T-C.
Other names: c.728T>C, p.Leu243Pro (NM_000457.6, NM_178849.3, NM_178850.3); c.662T>C, p.Leu221Pro (NM_001030003.3, NM_001030004.3); c.707T>C, p.Leu236Pro (NM_001258355.2); c.653T>C, p.Leu218Pro (NM_001287182.2, NM_001287183.2, NM_001287184.2); short protein forms L218P, L221P, L236P, L243P.
Identifiers: ClinVar variation 5020389 (VCV005020389.1).

ClinVar aggregate classification (germline): Uncertain significance (1 of 4 stars; one submission).

gnomAD v4.1: 1 of 1,612,066 alleles (0.000062%); highest among the groups gnomAD compares: Non-Finnish European, 0.000085%; no homozygotes.

Submission:

Dasa
Classification: Uncertain significance. Last evaluated: 2026-08-09. Review status: criteria provided, single submitter. Criteria: DASA Assertion Criteria. Collection method: clinical testing. Allele origin: germline.
Comment: NM_175914.5(HNF4A):c.662T>C (p.Leu221Pro) is a missense variant that results in the substitution of leucine with proline. This variant is rare in population databases. Computational prediction algorithms are consistent with a deleterious effect. The currently available literature and clinical evidence are not sufficient to establish a definitive association between this variant and the reported condition. Therefore, this variant is classified as a variant of uncertain significance.